The following is an entry in ClinVar:

NM_005502.4(ABCA1):c.*2611A>G

Genes: ABCA1 (ATP binding cassette subfamily A member 1; minus strand), NIPSNAP3B (nipsnap homolog 3B; plus strand). Cytogenetic location: 9q31.1.
Variant type: single nucleotide variant.
Coding change: c.*2611A>G on transcript NM_005502.4 (MANE Select); 2611 bases downstream of the stop codon, A replaced by G.
Molecular consequence: 3 prime UTR variant.
Genome position (GRCh38, 1-based): chr9:104,781,704, T>C on the plus strand (A>G on the coding strand, the complement: ABCA1 is on the minus strand). VCF-style: chr9-104781704-T-C. GRCh37 (hg19) VCF-style: chr9-107543985-T-C.
Identifiers: ClinVar variation 364331 (VCV000364331.5), dbSNP rs572043133, ClinGen allele CA10631901.

ClinVar aggregate classification (germline): Conflicting classifications of pathogenicity. Review status: criteria provided, conflicting classifications (1 of 4 stars). 2 submissions from 1 submitter: Uncertain significance (1); Benign (1). Last evaluated 2018-01-12.

Conditions:
Hypoalphalipoproteinemia, primary, 1. Identifiers: Orphanet 425, MedGen C5231558, MONDO:0011393, OMIM 604091.
Tangier disease (TGD). Also called: HIGH DENSITY LIPOPROTEIN DEFICIENCY, TANGIER TYPE; HIGH DENSITY LIPOPROTEIN DEFICIENCY, TYPE 1; Cholesterol thesaurismosis. Identifiers: Orphanet 31150, MedGen C0039292, MONDO:0008783, OMIM 205400.

Allele frequency attached by ClinVar (database versions not stated): TOPMed 0.00013; 1000 Genomes Project 30x 0.00031; 1000 Genomes Project 0.00040; gnomAD 0.00014 and 0.00017.
gnomAD v4.1: 26 of 152,746 alleles (0.017%); highest among the groups gnomAD compares: South Asian, 0.17%; 1 homozygote.

Submissions (2):

Illumina Laboratory Services, Illumina
Classification: Uncertain significance for Tangier disease. Last evaluated: 2018-01-12. Review status: criteria provided, single submitter. Criteria: ICSL Variant Classification Criteria 13 December 2019. Collection method: clinical testing. Allele origin: germline.

Illumina Laboratory Services, Illumina
Classification: Benign for Hypoalphalipoproteinemia, primary, 1. Last evaluated: 2018-01-12. Review status: criteria provided, single submitter. Criteria: ICSL Variant Classification Criteria 13 December 2019. Collection method: clinical testing. Allele origin: germline.
Comment: This variant was observed in the ICSL laboratory as part of a predisposition screen in an ostensibly healthy population. It had not been previously curated by ICSL or reported in the Human Gene Mutation Database (HGMD: prior to June 1st, 2018), and was therefore a candidate for classification through an automated scoring system. Utilizing variant allele frequency, disease prevalence and penetrance estimates, and inheritance mode, an automated score was calculated to assess if this variant is too frequent to cause the disease. Based on the score and internal cut-off values, a variant classified as benign is not then subjected to further curation. The score for this variant resulted in a classification of benign for this disease.